The following is an entry in ClinVar:

ClinVar aggregate classification (germline): Pathogenic. Review status: reviewed by expert panel (3 of 4 stars). 8 submissions from 8 submitters: Pathogenic (1). 7 of the submissions do not count toward it. Last evaluated 2025-09-05.

Conditions:
RPGR-related disorder. Also called: RPGR-related condition.
Primary ciliary dyskinesia. Also called: Ciliary dyskinesia. Identifiers: Orphanet 244, MedGen C0008780, MONDO:0016575, HP:0012265.
RPGR-related retinopathy. Also called: RPGR retinopathy. Identifiers: MedGen CN305589, MONDO:0100437.
Retinitis pigmentosa 3. Also called: CHOROIDORETINAL DEGENERATION WITH RETINAL REFLEX IN HETEROZYGOUS WOMEN. Identifiers: Orphanet 791, MedGen C1845667, MONDO:0010227, OMIM 300029.

Submissions (8):

ClinGen X-linked Inherited Retinal Disease Variant Curation Expert Panel, ClinGen
Classification: Pathogenic for RPGR-related retinopathy. Last evaluated: 2025-09-05. Review status: reviewed by expert panel. Criteria: ClinGen X LinkedIRD ACMG Specifications RPGR V1.0.0. Collection method: curation. Allele origin: germline. Inheritance: X-linked inheritance.
Comment: NM_001034853.2(RPGR):c.2679_2680del (p.Glu894GlyfsTer?) is a frameshift variant due to a 2-nucleotide deletion, introducing a premature stop codon within exon 15 of 15, which is predicted to disrupt a critical C-terminal region required for proper glutamylation of RPGR (PVS1, PMID: 36445968). This variant is absent from gnomAD v4.1.0 (PM2_Supporting). This variant has been reported in at least 2 apparently unrelated probands meeting one of the PS4 requirements of a male with some functional vision impairment by age 30 years and/or decreased or absent electroretinogram responses, or a female with functional visual abnormality and documentation of a male relative affected with retinitis pigmentosa (PMID: 28559085, PS4_Supporting). In summary, this variant is classified as pathogenic for RPGR-related retinopathy based on the ClinGen X-linked Inherited Retinal Disease Expert Panel Specifications to the ACMG/AMP Variant Interpretation Guidelines for RPGR Version 1.0.0; PVS1, PM2_Supporting, and PS4_Supporting.

Labcorp Genetics (formerly Invitae), Labcorp
Classification: Pathogenic for Primary ciliary dyskinesia. Last evaluated: 2025-09-22. Review status: criteria provided, single submitter. Criteria: Invitae Variant Classification Sherloc (09022015). Collection method: clinical testing. Allele origin: germline. Not counted in ClinVar's aggregate classification.
Comment: This sequence change creates a premature translational stop signal (p.Glu894Glyfs*184) in the RPGR (ORF15) gene. While this is not anticipated to result in nonsense mediated decay, it is expected to disrupt the last 259 amino acid(s) of the RPGR (ORF15) protein. This variant is not present in population databases (gnomAD no frequency). This premature translational stop signal has been observed in individual(s) with X-linked retinitis pigmentosa (PMID: 14564670). This variant is also known as ORF15+926_927delGG . ClinVar contains an entry for this variant (Variation ID: 1455429). This variant disrupts a region of the RPGR (ORF15) protein in which other variant(s) (p.Leu1130Lysfs*13) have been determined to be pathogenic (PMID: 22264887; internal data). This suggests that this is a clinically significant region of the protein, and that variants that disrupt it are likely to be disease-causing. For these reasons, this variant has been classified as Pathogenic.

GeneDx
Classification: Pathogenic. Last evaluated: 2025-03-29. Review status: criteria provided, single submitter. Criteria: GeneDx Variant Classification Process June 2021. Collection method: clinical testing. Allele origin: germline. Affected: yes. Not counted in ClinVar's aggregate classification.
Comment: Frameshift variant predicted to result in protein truncation or nonsense mediated decay in a gene for which loss of function is a known mechanism of disease; Not observed at significant frequency in large population cohorts (gnomAD); Also known as g.ORF15+926_927delGG; This variant is associated with the following publications: (PMID: 14564670, 40104205)

North West Genomic Laboratory Hub, Manchester University NHS Foundation Trust
Classification: Pathogenic for Retinitis pigmentosa 3. Last evaluated: 2023-12-14. Review status: criteria provided, single submitter. Criteria: ACGS Best Practice Guidelines for Variant Classification in Rare Disease 2020. Collection method: clinical testing. Allele origin: germline. Affected: yes. Not counted in ClinVar's aggregate classification.
Comment: PM2_Mod PS4_Mod PVS1_VStr

3billion
Classification: Pathogenic for Retinitis pigmentosa 3. Last evaluated: 2023-10-24. Review status: criteria provided, single submitter. Criteria: ACMG Guidelines, 2015. Collection method: clinical testing. Allele origin: germline. Affected: yes. Not counted in ClinVar's aggregate classification.
Comment: The variant is not observed in the gnomAD v2.1.1 dataset. Predicted Consequence/Location: Frameshift variant: previously reported to alter splicing and result in a loss of normal protein fucnction through nonsense-mediated decay (NMD) or protein truncation (N/A). Frameshift variant: previously reported to alter splicing and result in a loss of normal protein fucnction through nonsense-mediated decay (NMD) or protein truncation (N/A). Therefore, this variant is classified as Pathogenic according to the recommendation of ACMG/AMP guideline.

Institute of Medical Genetics and Applied Genomics, University Hospital Tübingen
Classification: Pathogenic for Retinitis pigmentosa 3. Last evaluated: 2023-08-28. Review status: criteria provided, single submitter. Criteria: ACMG Guidelines, 2015. Collection method: clinical testing. Allele origin: germline. Inheritance: X-linked recessive inheritance. Affected: yes. Not counted in ClinVar's aggregate classification.

Blueprint Genetics
Classification: Pathogenic for RPGR-related disorders. Last evaluated: 2022-09-27. Review status: criteria provided, single submitter. Criteria: ACMG Guidelines, 2015. Collection method: clinical testing. Allele origin: germline. Affected: yes. Observed: 5 variant alleles. Not counted in ClinVar's aggregate classification.

PreventionGenetics, part of Exact Sciences
Classification: Pathogenic. Last evaluated: 2020-03-19. Review status: criteria provided, single submitter. Criteria: ACMG Guidelines, 2015. Collection method: clinical testing. Allele origin: germline. Not counted in ClinVar's aggregate classification.

Literature cited by the submitters: PubMed 14564670 (cited by Labcorp Genetics (formerly Invitae), Labcorp and North West Genomic Laboratory Hub, Manchester University NHS Foundation Trust); PubMed 22264887 (cited by Labcorp Genetics (formerly Invitae), Labcorp); PubMed 26093275 (cited by North West Genomic Laboratory Hub, Manchester University NHS Foundation Trust).

NM_001034853.2(RPGR):c.2679_2680del (p.Glu894fs)

Gene: RPGR (retinitis pigmentosa GTPase regulator; minus strand). Cytogenetic location: Xp11.4.
Variant type: Deletion.
Coding change: c.2679_2680del on transcript NM_001034853.2 (MANE Select); coding-DNA positions 2679 to 2680, 2 bases deleted (GG; older notation c.2679_2680delGG).
Protein change: p.Glu894fs; shifts the reading frame from glutamic acid 894.
Molecular consequence: frameshift variant. On other transcripts: intron variant (8).
Genome position (GRCh38, 1-based): chrX:38,286,319-38,286,320, CC deleted on the plus strand (GG on the coding strand, the reverse complement: RPGR is on the minus strand); deleting any 2 consecutive bases within chrX:38,286,319-38,286,322 gives the same sequence; the c. name uses the placement nearest the transcript's 3' end. VCF-style (leftmost placement, unchanged base first): chrX-38286318-TCC-T. GRCh37 (hg19) VCF-style: chrX-38145571-TCC-T.
Other names: NM_001034853.2(RPGR):c.2679_2680del; p.Glu894fs; c.1569+4639_1569+4640del (NM_001367249.1, NM_001367250.1); c.1902+774_1902+775del (NM_001367245.1); c.1386+4639_1386+4640del (NM_001367251.1); c.1719+774_1719+775del (NM_001367246.1); c.1572+4639_1572+4640del (NM_001367247.1); c.1905+774_1905+775del (NM_000328.3); and 2 more; short protein forms E894fs.
Identifiers: ClinVar variation 1455429 (VCV001455429.13), dbSNP rs2147195624, ClinGen allele CA2573158773.